The following is an entry in ClinVar:

ClinVar aggregate classification (germline): Likely pathogenic (1 of 4 stars; one submission).

Submission:

GeneDx
Classification: Likely pathogenic. Last evaluated: 2016-05-05. Review status: criteria provided, single submitter. Criteria: GeneDx Variant Classification (06012015). Collection method: clinical testing. Allele origin: germline. Affected: yes.
Comment: The K483X variant in the RASA1 gene has not been reported as a pathogenic variant or as a benign variant to our knowledge. K483X is predicted to cause loss of normal protein function either by protein truncation or nonsense-mediated mRNA decay. Other nonsense variants in the RASA1 gene have been reported in HGMD in association with capillary malformation-arteriovenous malformations (CM-AVM) (Stenson et al., 2014). Furthermore, the K483X likely pathogenic variant was not observed in approximately 6,500 individuals of European and African American ancestry in the NHLBI Exome Sequencing Project, indicating it is not a common benign variant in these populations.While the K483X variant has not been published, it is expected to be pathogenic

NM_002890.3(RASA1):c.1447A>T (p.Lys483Ter)

Genes: CCNH (cyclin H; minus strand), RASA1 (RAS p21 protein activator 1; plus strand). Cytogenetic location: 5q14.3.
Variant type: single nucleotide variant.
Coding change: c.1447A>T on transcript NM_002890.3 (MANE Select); coding-DNA position 1447, A replaced by T.
Protein change: p.Lys483Ter; replaces lysine 483 with a stop codon.
Molecular consequence: nonsense. On other transcripts: intron variant (1).
Genome position (GRCh38, 1-based): chr5:87,362,665, A>T. VCF-style: chr5-87362665-A-T. GRCh37 (hg19) VCF-style: chr5-86658482-A-T.
Other names: c.916A>T, p.Lys306Ter (NM_022650.3); c.933+32379T>A (NM_001364075.2); short protein forms K483*, K306*.
Identifiers: ClinVar variation 432154 (VCV000432154.4), dbSNP rs1554047946, ClinGen allele CA360368132.